The following is an entry in ClinVar:

ClinVar aggregate classification (germline): Uncertain significance (1 of 4 stars; one submission).

Conditions:
Pheochromocytoma/paraganglioma syndrome 4. Also called: CAROTID BODY TUMORS AND MULTIPLE EXTRAADRENAL PHEOCHROMOCYTOMAS; PARAGANGLIOMA, FAMILIAL MALIGNANT; PARAGANGLIOMAS, HEREDITARY EXTRAADRENAL; PHEOCHROMOCYTOMA, FAMILIAL EXTRAADRENAL; SDHB-Related Hereditary Paraganglioma-Pheochromocytoma Syndrome; SDHB-Related Hereditary Paraganglioma-Pheochromocytoma Syndrome (Paragangliomas 4). Identifiers: Orphanet 29072, MedGen C1861848, MONDO:0007273, OMIM 115310.
Pheochromocytoma. Also called: MAX-Related Hereditary Paraganglioma-Pheochromocytoma Syndrome. Identifiers: Orphanet 29072, MedGen C0031511, MONDO:0008233, OMIM 171300, HP:0002666.
Gastrointestinal stromal tumor. Also called: Gastrointestinal stroma tumor; Gastrointestinal stromal tumor, somatic. Identifiers: Orphanet 44890, MedGen C0238198, MeSH D046152, MONDO:0011719, OMIM 606764, HP:0100723.

Submission:

Labcorp Genetics (formerly Invitae), Labcorp
Classification: Uncertain significance for Gastrointestinal stromal tumor; Pheochromocytoma/paraganglioma syndrome 4; Pheochromocytoma. Last evaluated: 2022-08-18. Review status: criteria provided, single submitter. Criteria: Invitae Variant Classification Sherloc (09022015). Collection method: clinical testing. Allele origin: germline.
Comment: This sequence change replaces isoleucine, which is neutral and non-polar, with asparagine, which is neutral and polar, at codon 187 of the SDHB protein (p.Ile187Asn). In summary, the available evidence is currently insufficient to determine the role of this variant in disease. Therefore, it has been classified as a Variant of Uncertain Significance. Advanced modeling of protein sequence and biophysical properties (such as structural, functional, and spatial information, amino acid conservation, physicochemical variation, residue mobility, and thermodynamic stability) performed at Invitae indicates that this missense variant is expected to disrupt SDHB protein function. This variant has not been reported in the literature in individuals affected with SDHB-related conditions. This variant is not present in population databases (gnomAD no frequency).

NM_003000.3(SDHB):c.560T>A (p.Ile187Asn)

Gene: SDHB (succinate dehydrogenase complex iron sulfur subunit B; minus strand). Cytogenetic location: 1p36.13.
Variant type: single nucleotide variant.
Coding change: c.560T>A on transcript NM_003000.3 (MANE Select); coding-DNA position 560, T replaced by A.
Protein change: p.Ile187Asn; replaces isoleucine 187 with asparagine.
Molecular consequence: missense variant.
Genome position (GRCh38, 1-based): chr1:17,024,055, A>T on the plus strand (T>A on the coding strand, the complement: SDHB is on the minus strand). VCF-style: chr1-17024055-A-T. GRCh37 (hg19) VCF-style: chr1-17350550-A-T.
Other names: c.506T>A, p.Ile169Asn (NM_001407361.1); short protein forms I169N, I187N.
Identifiers: ClinVar variation 1716570 (VCV001716570.6), dbSNP rs2525009011, ClinGen allele CA338271362.